The following is an entry in ClinVar:

NM_004415.4(DSP):c.1282dup (p.Ile428fs)

Gene: DSP (desmoplakin; plus strand). Cytogenetic location: 6p24.3.
Variant type: Duplication.
Coding change: c.1282dup on transcript NM_004415.4 (MANE Select); coding-DNA position 1282, one base duplicated (A; older notation c.1282dupA).
Protein change: p.Ile428fs; shifts the reading frame from isoleucine 428.
Molecular consequence: frameshift variant.
Genome position (GRCh38, 1-based): chr6:7,568,452, A duplicated; the last of 4 consecutive A bases (chr6:7,568,449-7,568,452); duplicating any one gives the same sequence. VCF-style (leftmost placement, unchanged base first): chr6-7568448-G-GA. GRCh37 (hg19) VCF-style: chr6-7568681-G-GA.
Other names: c.1282dup, p.Ile428fs (NM_001008844.3, NM_001319034.2); c.1282dupA (NM_004415.2); c.1282dup (LRG_423t1); short protein forms I428fs.
Identifiers: ClinVar variation 565816 (VCV000565816.8), dbSNP rs1561687796, ClinGen allele CA891843295.

ClinVar aggregate classification (germline): Pathogenic. Review status: criteria provided, multiple submitters, no conflicts (2 of 4 stars). 2 submissions from 2 submitters: Pathogenic (2). Last evaluated 2025-07-23.

Conditions:
Cardiovascular phenotype. Identifiers: MedGen CN230736.
Arrhythmogenic right ventricular dysplasia 8 (ARVD8). Also called: Arrhythmogenic Right Ventricular Dysplasia/Cardiomyopathy 8; ARRHYTHMOGENIC RIGHT VENTRICULAR DYSPLASIA, FAMILIAL, 8; ARRHYTHMOGENIC RIGHT VENTRICULAR CARDIOMYOPATHY 8. Identifiers: MedGen C1843896, MONDO:0011831, OMIM 607450.
Arrhythmogenic cardiomyopathy with wooly hair and keratoderma. Also called: PALMOPLANTAR KERATODERMA WITH LEFT VENTRICULAR CARDIOMYOPATHY AND WOOLLY HAIR; Carvajal syndrome; Dilated cardiomyopathy with woolly hair and keratoderma; Arrhythmogenic cardiomyopathy with woolly hair and keratoderma. Identifiers: Orphanet 65282, MedGen C1854063, MONDO:0011581, OMIM 605676.

Submissions (2):

Labcorp Genetics (formerly Invitae), Labcorp
Classification: Pathogenic for Arrhythmogenic cardiomyopathy with wooly hair and keratoderma; Arrhythmogenic right ventricular dysplasia 8. Last evaluated: 2025-07-23. Review status: criteria provided, single submitter. Criteria: Invitae Variant Classification Sherloc (09022015). Collection method: clinical testing. Allele origin: germline.
Comment: This sequence change creates a premature translational stop signal (p.Ile428Asnfs*3) in the DSP gene. It is expected to result in an absent or disrupted protein product. Loss-of-function variants in DSP are known to be pathogenic (PMID: 20716751, 24503780, 25227139). This variant is not present in population databases (gnomAD no frequency). This premature translational stop signal has been observed in individual(s) with arrythmogenic right ventricular cardiomyopathy (ARVC) (PMID: 25765472). ClinVar contains an entry for this variant (Variation ID: 565816). For these reasons, this variant has been classified as Pathogenic.

Ambry Genetics
Classification: Pathogenic for Cardiovascular phenotype. Last evaluated: 2019-08-16. Review status: criteria provided, single submitter. Criteria: Ambry Variant Classification Scheme 2023. Collection method: clinical testing. Allele origin: germline.
Comment: The c.1282dupA pathogenic mutation, located in coding exon 11 of the DSP gene, results from a duplication of A at nucleotide position 1282, causing a translational frameshift with a predicted alternate stop codon (p.I428Nfs*3). This mutation has been detected in an individual with arrhythmogenic right ventricular cardiomyopathy who also had a variant in the JUP gene (ARVC) (Zhou X et al. Eur J Med Genet, 2015 Apr;58:258-65). Alterations in DSP that result in haploinsufficiency or protein truncation have been reported in patients with ARVC and dilated cardiomyopathy (DCM) (Fressart V et al. Europace. 2010;12(6):861-8; Elliott P et al. Circ Cardiovasc Genet. 2010;3(4):314-22; Quarta G et al. Circulation. 2011;123(23):2701-9; Garcia-Pavia P et al. Heart. 2011;97(21):1744-52; Rasmussen TB et al. Clin Genet. 2013;84(1):20-30; Pugh TJ et al. Genet Med. 2014;16(8):601-8). This alteration is expected to result in loss of function by premature protein truncation or nonsense-mediated mRNA decay. As such, this alteration is interpreted as a disease-causing mutation.

Literature cited by the submitters: PubMed 20716751 (cited by Labcorp Genetics (formerly Invitae), Labcorp); PubMed 24503780 (cited by Labcorp Genetics (formerly Invitae), Labcorp); PubMed 25227139 (cited by Labcorp Genetics (formerly Invitae), Labcorp); PubMed 25765472 (cited by Labcorp Genetics (formerly Invitae), Labcorp and Ambry Genetics).